The following is an entry in ClinVar:

ClinVar aggregate classification (germline): Uncertain significance (1 of 4 stars; one submission).

Conditions:
Hereditary cancer-predisposing syndrome. Also called: Hereditary neoplastic syndrome; Neoplastic Syndromes, Hereditary; Tumor predisposition; Hereditary Cancer Syndrome. Identifiers: Orphanet 140162, MedGen C0027672, MeSH D009386, MONDO:0015356.

Submission:

Ambry Genetics
Classification: Uncertain significance for Hereditary cancer-predisposing syndrome. Last evaluated: 2025-08-27. Review status: criteria provided, single submitter. Criteria: Ambry Variant Classification Scheme 2023. Collection method: clinical testing. Allele origin: germline.
Comment: The p.S298T variant (also known as c.893G>C), located in coding exon 10 of the MUTYH gene, results from a G to C substitution at nucleotide position 893. The serine at codon 298 is replaced by threonine, an amino acid with similar properties. This amino acid position is conserved. In addition, this alteration is predicted to be tolerated by in silico analysis. Based on the available evidence, the clinical significance of this variant remains unclear.

NM_001048174.2(MUTYH):c.809G>C (p.Ser270Thr)

Gene: MUTYH (mutY DNA glycosylase; minus strand). Cytogenetic location: 1p34.1.
Variant type: single nucleotide variant.
Coding change: c.809G>C on transcript NM_001048174.2 (MANE Select); coding-DNA position 809, G replaced by C.
Protein change: p.Ser270Thr; replaces serine 270 with threonine.
Molecular consequence: missense variant. On other transcripts: non-coding transcript variant (7).
Genome position (GRCh38, 1-based): chr1:45,332,206, C>G on the plus strand (G>C on the coding strand, the complement: MUTYH is on the minus strand). VCF-style: chr1-45332206-C-G. GRCh37 (hg19) VCF-style: chr1-45797878-C-G.
Other names: c.809G>C, p.Ser270Thr (NM_001048171.2, NM_001048173.2, NM_001407081.1 and 6 more transcripts); c.812G>C, p.Ser271Thr (NM_001048172.2, NM_001407078.1, NM_001407086.1 and 1 more transcripts); c.893G>C, p.Ser298Thr (NM_001128425.2); c.854G>C, p.Ser285Thr (NM_001293190.2); c.842G>C, p.Ser281Thr (NM_001293191.2, NM_001407077.1, NM_001407069.1); c.533G>C, p.Ser178Thr (NM_001293192.2, NM_001293196.2, NM_001407091.1); c.725G>C, p.Ser242Thr (NM_001407075.1); c.770G>C, p.Ser257Thr (NM_001407079.1); and 5 more; short protein forms S257T, S270T, S281T, S155T, S271T, S284T, S295T, S298T.
Identifiers: ClinVar variation 4113887 (VCV004113887.1).